The following is an entry in ClinVar:

ClinVar aggregate classification (germline): Uncertain significance. Review status: criteria provided, multiple submitters, no conflicts (2 of 4 stars). 2 submissions from 2 submitters: Uncertain significance (2). Last evaluated 2026-01-13.

Conditions:
Supravalvar aortic stenosis (SVAS). Also called: Supravalvar aortic stenosis, Eisenberg type. Identifiers: Orphanet 3193, MedGen C0003499, MONDO:0008504, OMIM 185500, HP:0004381.

Allele frequency attached by ClinVar (database versions not stated): gnomAD exomes below 0.00001; gnomAD 0.00001; TOPMed 0.00001; ExAC 0.00002.
gnomAD v4.1: 7 of 1,614,074 alleles (0.00043%); highest among the groups gnomAD compares: African/African-American, 0.0013%; no homozygotes.

Submissions (2):

Labcorp Genetics (formerly Invitae), Labcorp
Classification: Uncertain significance for Supravalvar aortic stenosis. Last evaluated: 2026-01-13. Review status: criteria provided, single submitter. Criteria: Invitae Variant Classification Sherloc (09022015). Collection method: clinical testing. Allele origin: germline.
Comment: This sequence change replaces glutamic acid, which is acidic and polar, with lysine, which is basic and polar, at codon 624 of the ELN protein (p.Glu624Lys). This variant is present in population databases (rs782386024, gnomAD 0.002%). This variant has not been reported in the literature in individuals affected with ELN-related conditions. ClinVar contains an entry for this variant (Variation ID: 1710780). Experimental studies and prediction algorithms are not available or were not evaluated, and the functional significance of this variant is currently unknown. In summary, the available evidence is currently insufficient to determine the role of this variant in disease. Therefore, it has been classified as a Variant of Uncertain Significance.

GeneDx
Classification: Uncertain significance. Last evaluated: 2023-03-06. Review status: criteria provided, single submitter. Criteria: GeneDx Variant Classification Process June 2021. Collection method: clinical testing. Allele origin: germline. Affected: yes.
Comment: Has not been previously published as pathogenic or benign to our knowledge; Not observed at significant frequency in large population cohorts (gnomAD); In silico analysis supports that this missense variant does not alter protein structure/function; Variant reported in an alternate transcript

NM_000501.4(ELN):c.1747+36G>A

Genes: ELN-AS1 (ELN antisense RNA 1; minus strand), ELN (elastin; plus strand). Cytogenetic location: 7q11.23.
Variant type: single nucleotide variant.
Coding change: c.1747+36G>A on transcript NM_000501.4 (MANE Select); 36 bases into the intron after coding-DNA position 1747, G replaced by A.
Molecular consequence: intron variant. On other transcripts: missense variant (1).
Genome position (GRCh38, 1-based): chr7:74,060,537, G>A. VCF-style: chr7-74060537-G-A. GRCh37 (hg19) VCF-style: chr7-73474867-G-A.
Other names: c.1870G>A, p.Glu624Lys (NM_001278939.2); c.1762+36G>A (NM_001081754.3); c.1705+36G>A (NM_001081753.3); c.1765+36G>A (NM_001278915.2); c.1747+36G>A (NM_001278912.2); c.1690+36G>A (NM_001081755.3); c.1603+36G>A (NM_001278916.2); c.1504+36G>A (NM_001278913.2); and 4 more; short protein forms E624K.
Identifiers: ClinVar variation 1710780 (VCV001710780.4), dbSNP rs782386024, ClinGen allele CA4293178.